The following is an entry in ClinVar:

NM_000674.3(ADORA1):c.622C>T (p.Arg208Cys)

Gene: ADORA1 (adenosine A1 receptor; plus strand). Cytogenetic location: 1q32.1.
Variant type: single nucleotide variant.
Coding change: c.622C>T on transcript NM_000674.3 (MANE Select); coding-DNA position 622, C replaced by T.
Protein change: p.Arg208Cys; replaces arginine 208 with cysteine.
Molecular consequence: missense variant.
Genome position (GRCh38, 1-based): chr1:203,165,541, C>T. VCF-style: chr1-203165541-C-T. GRCh37 (hg19) VCF-style: chr1-203134669-C-T.
Other names: p.Arg208Cys; c.622C>T, p.Arg208Cys (NM_001048230.2); c.418C>T, p.Arg140Cys (NM_001365065.1); c.274C>T, p.Arg92Cys (NM_001365066.1); short protein forms R140C, R208C, R92C.
Identifiers: ClinVar variation 3380552 (VCV003380552.1).

ClinVar aggregate classification (germline): Uncertain significance (1 of 4 stars; one submission).

gnomAD v4.1: 114 of 1,613,906 alleles (0.0071%); highest among the groups gnomAD compares: Middle Eastern, 0.016%; no homozygotes.

Submission:

Mayo Clinic Laboratories, Mayo Clinic
Classification: Uncertain significance. Last evaluated: 2024-06-11. Review status: criteria provided, single submitter. Criteria: ACMG Guidelines, 2015. Collection method: clinical testing. Allele origin: germline. Observed: 1 variant allele.
Comment: PM2